The following is an entry in ClinVar:

ClinVar aggregate classification (germline): Uncertain significance. Review status: criteria provided, multiple submitters, no conflicts (2 of 4 stars). 5 submissions from 5 submitters: Uncertain significance (5). Last evaluated 2025-10-18.

Conditions:
RELN-related disorder. Also called: RELN-related condition.
Inborn genetic diseases. Identifiers: MedGen C0950123, MeSH D030342.
Norman-Roberts syndrome (LIS2). Also called: Lissencephaly 2 (Norman-Roberts type). Identifiers: Orphanet 89844, MedGen C0796089, MONDO:0009760, OMIM 257320.
Familial temporal lobe epilepsy 7. Identifiers: Orphanet 101046, MedGen C4225327, MONDO:0014639, OMIM 616436.

Allele frequency attached by ClinVar (database versions not stated): gnomAD 0.00005 and 0.00006; TOPMed 0.00005; gnomAD exomes 0.00006; ExAC 0.00007; ESP Exome Variant Server 0.00008.
gnomAD v4.1: 100 of 1,614,174 alleles (0.0062%); highest among the groups gnomAD compares: Non-Finnish European, 0.0081%; no homozygotes.

Submissions (5):

Ambry Genetics
Classification: Uncertain significance for Inborn genetic diseases. Last evaluated: 2025-10-18. Review status: criteria provided, single submitter. Criteria: Ambry Variant Classification Scheme 2023. Collection method: clinical testing. Allele origin: germline.
Comment: Unlikely to be causative of RELN-related lateral temporal epilepsy (AD) Based on insufficient or conflicting evidence, the clinical significance of this alteration remains unclear.

PreventionGenetics, part of Exact Sciences
Classification: Uncertain significance for RELN-related condition. Last evaluated: 2025-02-07. Review status: criteria provided, single submitter. Criteria: ACMG Guidelines, 2015. Collection method: clinical testing. Allele origin: germline.
Comment: The RELN c.9478C>G variant is predicted to result in the amino acid substitution p.Leu3160Val. To our knowledge, this variant has not been reported in the literature. This variant is reported in 0.010% of alleles in individuals of European (Non-Finnish) descent in gnomAD. At this time, the clinical significance of this variant is uncertain due to the absence of conclusive functional and genetic evidence.

Labcorp Genetics (formerly Invitae), Labcorp
Classification: Uncertain significance for Familial temporal lobe epilepsy 7; Norman-Roberts syndrome. Last evaluated: 2024-10-05. Review status: criteria provided, single submitter. Criteria: Invitae Variant Classification Sherloc (09022015). Collection method: clinical testing. Allele origin: germline.
Comment: This sequence change replaces leucine, which is neutral and non-polar, with valine, which is neutral and non-polar, at codon 3160 of the RELN protein (p.Leu3160Val). This variant is present in population databases (rs185075003, gnomAD 0.009%). This variant has not been reported in the literature in individuals affected with RELN-related conditions. ClinVar contains an entry for this variant (Variation ID: 580355). Invitae Evidence Modeling of protein sequence and biophysical properties (such as structural, functional, and spatial information, amino acid conservation, physicochemical variation, residue mobility, and thermodynamic stability) indicates that this missense variant is not expected to disrupt RELN protein function with a negative predictive value of 80%. In summary, the available evidence is currently insufficient to determine the role of this variant in disease. Therefore, it has been classified as a Variant of Uncertain Significance.

CeGaT Center for Human Genetics Tuebingen
Classification: Uncertain significance. Last evaluated: 2022-08-01. Review status: criteria provided, single submitter. Criteria: CeGaT Center For Human Genetics Tuebingen Variant Classification Criteria Version 2. Collection method: clinical testing. Allele origin: germline. Affected: yes. Observed: 1 variant allele.
Comment: RELN: PM2, PM3

Women's Health and Genetics/Laboratory Corporation of America, LabCorp
Classification: Uncertain significance. Last evaluated: 2022-07-20. Review status: criteria provided, single submitter. Criteria: LabCorp Variant Classification Summary - May 2015. Collection method: clinical testing. Allele origin: germline.
Comment: Variant summary: RELN c.9478C>G (p.Leu3160Val) results in a conservative amino acid change in the encoded protein sequence. Three of five in-silico tools predict a benign effect of the variant on protein function. The variant allele was found at a frequency of 5.6e-05 in 251260 control chromosomes (gnomAD). This frequency is not significantly higher than expected for a pathogenic variant in RELN causing Epilepsy Familial Temporal Lobe 7 (5.6e-05 vs ND), allowing no conclusion about variant significance. To our knowledge, no occurrence of c.9478C>G in individuals affected with Epilepsy Familial Temporal Lobe 7 and no experimental evidence demonstrating its impact on protein function have been reported. One clinical diagnostic laboratory has submitted an assessment for this variant to ClinVar after 2014 and classified the variant as uncertain significance. Based on the evidence outlined above, the variant was classified as uncertain significance.

NM_005045.4(RELN):c.9478C>G (p.Leu3160Val)

Genes: RELN (reelin; minus strand), SLC26A5-AS1 (SLC26A5 antisense RNA 1; plus strand), LOC126860130 (BRD4-independent group 4 enhancer GRCh37_chr7:103130126-103131325; plus strand). Cytogenetic location: 7q22.1.
Variant type: single nucleotide variant.
Coding change: c.9478C>G on transcript NM_005045.4 (MANE Select); coding-DNA position 9478, C replaced by G.
Protein change: p.Leu3160Val; replaces leucine 3160 with valine.
Molecular consequence: missense variant.
Genome position (GRCh38, 1-based): chr7:103,490,795, G>C on the plus strand (C>G on the coding strand, the complement: RELN is on the minus strand). VCF-style: chr7-103490795-G-C. GRCh37 (hg19) VCF-style: chr7-103131242-G-C.
Other names: c.9478C>G, p.Leu3160Val (NM_173054.3); short protein forms L3160V.
Identifiers: ClinVar variation 580355 (VCV000580355.47), dbSNP rs185075003, ClinGen allele CA4420197.